The following is an entry in ClinVar:

NM_172201.2(KCNE2):c.293G>A (p.Ser98Asn)

Genes: KCNE2 (potassium voltage-gated channel subfamily E regulatory subunit 2; plus strand), LOC105372791 (uncharacterized LOC105372791; minus strand). Cytogenetic location: 21q22.11.
Variant type: single nucleotide variant.
Coding change: c.293G>A on transcript NM_172201.2 (MANE Select); coding-DNA position 293, G replaced by A.
Protein change: p.Ser98Asn; replaces serine 98 with asparagine.
Molecular consequence: missense variant.
Genome position (GRCh38, 1-based): chr21:34,370,771, G>A. VCF-style: chr21-34370771-G-A. GRCh37 (hg19) VCF-style: chr21-35743070-G-A.
Other names: short protein forms S98N.
Identifiers: ClinVar variation 1020116 (VCV001020116.13), dbSNP rs1333677285, ClinGen allele CA410196999.

ClinVar aggregate classification (germline): Uncertain significance (1 of 4 stars; one submission).

Conditions:
Long QT syndrome 6 (LQT6). Identifiers: Orphanet 101016, Orphanet 768, MedGen C3150953, MONDO:0013370, OMIM 613693.

Allele frequency attached by ClinVar (database versions not stated): gnomAD 0.00001.
gnomAD v4.1: 2 of 1,614,034 alleles (0.00012%); highest among the groups gnomAD compares: African/African-American, 0.0027%; no homozygotes.

Submission:

Labcorp Genetics (formerly Invitae), Labcorp
Classification: Uncertain significance for Long QT syndrome 6. Last evaluated: 2022-06-17. Review status: criteria provided, single submitter. Criteria: Invitae Variant Classification Sherloc (09022015). Collection method: clinical testing. Allele origin: germline.
Comment: In summary, the available evidence is currently insufficient to determine the role of this variant in disease. Therefore, it has been classified as a Variant of Uncertain Significance. Algorithms developed to predict the effect of missense changes on protein structure and function output the following: SIFT: "Tolerated"; PolyPhen-2: "Benign"; Align-GVGD: "Class C0". The asparagine amino acid residue is found in multiple mammalian species, which suggests that this missense change does not adversely affect protein function. ClinVar contains an entry for this variant (Variation ID: 1020116). This variant has not been reported in the literature in individuals affected with KCNE2-related conditions. This variant is present in population databases (no rsID available, gnomAD 0.01%). This sequence change replaces serine, which is neutral and polar, with asparagine, which is neutral and polar, at codon 98 of the KCNE2 protein (p.Ser98Asn).